The following is an entry in ClinVar:

ClinVar aggregate classification (germline): Uncertain significance (1 of 4 stars; one submission).

Submission:

GeneDx
Classification: Uncertain significance. Last evaluated: 2024-10-28. Review status: criteria provided, single submitter. Criteria: GeneDx Variant Classification Process June 2021. Collection method: clinical testing. Allele origin: germline. Affected: yes.
Comment: Not observed at significant frequency in large population cohorts (gnomAD); Has not been previously published as pathogenic or benign to our knowledge; Nonsense variant predicted to result in protein truncation as the last 36 amino acid(s) are lost with an unclear effect on protein function

NM_183357.3(ADCY5):c.3676C>T (p.Gln1226Ter)

Gene: ADCY5 (adenylate cyclase 5; minus strand). Cytogenetic location: 3q21.1.
Variant type: single nucleotide variant.
Coding change: c.3676C>T on transcript NM_183357.3 (MANE Select); coding-DNA position 3676, C replaced by T.
Protein change: p.Gln1226Ter; replaces glutamine 1226 with a stop codon.
Molecular consequence: nonsense.
Genome position (GRCh38, 1-based): chr3:123,284,718, G>A on the plus strand (C>T on the coding strand, the complement: ADCY5 is on the minus strand). VCF-style: chr3-123284718-G-A. GRCh37 (hg19) VCF-style: chr3-123003565-G-A.
Other names: c.2626C>T, p.Gln876Ter (NM_001199642.1); c.3751C>T, p.Gln1251Ter (NM_001378259.1); short protein forms Q1226*, Q1251*, Q876*.
Identifiers: ClinVar variation 3897283 (VCV003897283.1).